The following is an entry in ClinVar:

ClinVar aggregate classification (germline): Conflicting classifications of pathogenicity. Review status: criteria provided, conflicting classifications (1 of 4 stars). 10 submissions from 10 submitters: Uncertain significance (6); Likely benign (1). 3 of the submissions do not count toward it. Last evaluated 2026-01-27.

Conditions:
EYS-related disorder. Also called: EYS-related condition.
Retinitis pigmentosa (RP). Identifiers: Orphanet 791, MedGen C0035334, MeSH D012174, MONDO:0019200, OMIM 268000. Inheritance: Autosomal dominant, autosomal recessive and X linked inheritance.
Autosomal recessive retinitis pigmentosa. Identifiers: MedGen C0339526.
Retinitis pigmentosa 25 (RP25). Identifiers: Orphanet 791, MedGen C1864446, MONDO:0011272, OMIM 602772.

Allele frequency attached by ClinVar (database versions not stated): gnomAD exomes 0.00010; ExAC 0.00030; TOPMed 0.00040; gnomAD 0.00045 and 0.00049.
gnomAD v4.1: 126 of 1,551,182 alleles (0.0081%); highest among the groups gnomAD compares: African/African-American, 0.13%; no homozygotes.

Submissions (10):

Labcorp Genetics (formerly Invitae), Labcorp
Classification: Uncertain significance. Last evaluated: 2026-01-27. Review status: criteria provided, single submitter. Criteria: Invitae Variant Classification Sherloc (09022015). Collection method: clinical testing. Allele origin: germline.
Comment: This sequence change replaces aspartic acid, which is acidic and polar, with histidine, which is basic and polar, at codon 1468 of the EYS protein (p.Asp1468His). This variant is present in population databases (rs778752557, gnomAD 0.2%). This missense change has been observed in individual(s) with clinical features of retinitis pigmentosa and/or retinal disease. However, this variant has frequently been identified on the same chromosome as other EYS variants, making its clinical significance uncertain (PMID: 25097241, 26667666, 29550188, 34906470; internal data). ClinVar contains an entry for this variant (Variation ID: 195938). Invitae Evidence Modeling of protein sequence and biophysical properties (such as structural, functional, and spatial information, amino acid conservation, physicochemical variation, residue mobility, and thermodynamic stability) indicates that this missense variant is not expected to disrupt EYS protein function with a negative predictive value of 80%. In summary, the available evidence is currently insufficient to determine the role of this variant in disease. Therefore, it has been classified as a Variant of Uncertain Significance.

GeneDx
Classification: Uncertain significance. Last evaluated: 2025-02-05. Review status: criteria provided, single submitter. Criteria: GeneDx Variant Classification Process June 2021. Collection method: clinical testing. Allele origin: germline. Affected: yes.
Comment: In silico analysis indicates that this missense variant does not alter protein structure/function; Observed with additional EYS variants, including the c.3443+1G>T pathogenic variant, in an individual with peripheral dystrophy, however, segregation data was not provided to determine whether the variants occurred on the same (in cis) or on different (in trans) chromosomes (PMID: 25097241); Reported in the homozygous state in patients with retinitis pigmentosa in published literature, however, these individuals were also homozygous for the c.3443+1G>T pathogenic variant in the EYS gene (PMID: 26667666, 29550188); This variant is associated with the following publications: (PMID: 36284670, 36819107, 29550188, 31736247, 39588395, 26667666, 25097241)

Blueprint Genetics
Classification: Likely benign. Last evaluated: 2024-07-19. Review status: criteria provided, single submitter. Criteria: ACMG Guidelines, 2015. Collection method: clinical testing. Allele origin: germline.

Broad Center for Mendelian Genomics, Broad Institute of MIT and Harvard
Classification: Uncertain significance for Retinitis pigmentosa. Last evaluated: 2021-04-01. Review status: criteria provided, single submitter. Criteria: ACMG Guidelines, 2015. Collection method: curation. Allele origin: germline. Inheritance: Autosomal recessive inheritance. Affected: yes.
Comment: Through a review of available evidence we were able to apply the following criteria: PM2, PM3-P. Based on this evidence we have classified this variant as a Variant of Uncertain Significance. If you have any questions about the classification please reach out to the Pierce Lab.

Mendelics
Classification: Uncertain significance for Retinitis pigmentosa 25. Last evaluated: 2019-05-28. Review status: criteria provided, single submitter. Criteria: Mendelics Assertion Criteria 2017. Collection method: clinical testing. Allele origin: unknown.

ARUP Laboratories, Molecular Genetics and Genomics, ARUP Laboratories
Classification: Uncertain significance. Last evaluated: 2018-06-19. Review status: criteria provided, single submitter. Criteria: ARUP Molecular Germline Variant Investigation Process. Collection method: clinical testing. Allele origin: germline.
Comment: The EYS c.4402G>C; p.Asp1468His variant (rs778752557) is reported in the medical literature in two individuals with retinitis pigmentosa, one of whom carried an alternative molecular explanation for disease (Ge 2015, Wang 2014). The variant is described in the ClinVar database (Variation ID: 195938) and is listed in the Genome Aggregation Database with an allele frequency of 0.2% (30/16324 alleles) in the African population. The aspartic acid at codon 1468 is moderately conserved and computational analyses (SIFT: Tolerated, PolyPhen-2: Possibly damaging) predict conflicting effects of this variant on protein structure/function. Although there is information indicating this variant may be likely benign, there is insufficient evidence to classify the variant with certainty. Pathogenic EYS variants are causative for autosomal recessive retinitis pigmentosa (MIM: 602772). References: Ge Z et al. NGS-based Molecular diagnosis of 105 eyeGENE probands with Retinitis Pigmentosa. Sci Rep. 2015 Dec 15;5:18287. Wang J et al. Dependable and efficient clinical utility of target capture-based deep sequencing in molecular diagnosis of retinitis pigmentosa. Invest Ophthalmol Vis Sci. 2014 Aug 5;55(10):6213-23.

Eurofins Ntd Llc (ga)
Classification: Uncertain significance. Last evaluated: 2015-01-20. Review status: criteria provided, single submitter. Criteria: EGL Classification Definitions 2015. Collection method: clinical testing. Allele origin: germline. Observed: 1 variant allele, 1 heterozygote.

PreventionGenetics, part of Exact Sciences
Classification: Uncertain significance for EYS-related condition. Last evaluated: 2024-09-28. Review status: no assertion criteria provided. Collection method: clinical testing. Allele origin: germline. Not counted in ClinVar's aggregate classification.
Comment: The EYS c.4402G>C variant is predicted to result in the amino acid substitution p.Asp1468His. This variant has been reported in individuals with retinitis pigmentosa; however, in several of these cases it was determined to be on the same allele (in cis) with the pathogenic variant c.3443+1G>T as well as the uncertain missense variant c.3250A>C (p.Thr1084Pro) (Wang et al. 2014. PubMed ID: 25097241; Ge et al. 2015. PubMed ID: 26667666; Sengillo et al. 2018. PubMed ID: 29550188). This variant is reported in 0.20% of alleles in individuals of African descent in gnomAD. Although we suspect that this variant may be benign by itself, at this time, the clinical significance of this variant is uncertain due to the absence of conclusive functional and genetic evidence.

Natera, Inc.
Classification: Uncertain significance for Autosomal recessive retinitis pigmentosa. Last evaluated: 2020-08-31. Review status: no assertion criteria provided. Collection method: clinical testing. Allele origin: germline. Not counted in ClinVar's aggregate classification.

Counsyl
Classification: Uncertain significance for Retinitis pigmentosa 25. Last evaluated: 2018-03-06. Review status: no assertion criteria provided. Collection method: clinical testing. Allele origin: unknown. Not counted in ClinVar's aggregate classification.

Literature cited by the submitters: PubMed 25097241 (cited by 4 submitters); PubMed 26667666 (cited by 3 submitters); PubMed 29550188 (cited by Labcorp Genetics (formerly Invitae), Labcorp and Broad Center for Mendelian Genomics, Broad Institute of MIT and Harvard); PubMed 34906470 (cited by Labcorp Genetics (formerly Invitae), Labcorp and Broad Center for Mendelian Genomics, Broad Institute of MIT and Harvard).

NM_001142800.2(EYS):c.4402G>C (p.Asp1468His)

Gene: EYS (EGF-like photoreceptor maintenance factor; minus strand). Cytogenetic location: 6q12.
Variant type: single nucleotide variant.
Coding change: c.4402G>C on transcript NM_001142800.2 (MANE Select); coding-DNA position 4402, G replaced by C.
Protein change: p.Asp1468His; replaces aspartic acid 1468 with histidine.
Molecular consequence: missense variant.
Genome position (GRCh38, 1-based): chr6:64,591,465, C>G on the plus strand (G>C on the coding strand, the complement: EYS is on the minus strand). VCF-style: chr6-64591465-C-G. GRCh37 (hg19) VCF-style: chr6-65301358-C-G.
Other names: c.4402G>C, p.Asp1468His (NM_001292009.2); short protein forms D1468H.
Identifiers: ClinVar variation 195938 (VCV000195938.28), dbSNP rs778752557, ClinGen allele CA242645.